The following is an entry in ClinVar:

NM_005562.3(LAMC2):c.643G>A (p.Val215Ile)

Gene: LAMC2 (laminin subunit gamma 2; plus strand). Cytogenetic location: 1q25.3.
Variant type: single nucleotide variant.
Coding change: c.643G>A on transcript NM_005562.3 (MANE Select); coding-DNA position 643, G replaced by A.
Protein change: p.Val215Ile; replaces valine 215 with isoleucine.
Molecular consequence: missense variant.
Genome position (GRCh38, 1-based): chr1:183,222,091, G>A. VCF-style: chr1-183222091-G-A. GRCh37 (hg19) VCF-style: chr1-183191226-G-A.
Other names: c.643G>A, p.Val215Ile (NM_018891.3); short protein forms V215I.
Identifiers: ClinVar variation 2146065 (VCV002146065.1), dbSNP rs529113560, ClinGen allele CA33967305.

ClinVar aggregate classification (germline): Uncertain significance (1 of 4 stars; one submission).

Allele frequency attached by ClinVar (database versions not stated): gnomAD exomes 0.00001.
gnomAD v4.1: 9 of 1,614,178 alleles (0.00056%); highest among the groups gnomAD compares: South Asian, 0.0099%; no homozygotes.

Submission:

Labcorp Genetics (formerly Invitae), Labcorp
Classification: Uncertain significance. Last evaluated: 2021-04-14. Review status: criteria provided, single submitter. Criteria: Invitae Variant Classification Sherloc (09022015). Collection method: clinical testing. Allele origin: germline.
Comment: This sequence change replaces valine with isoleucine at codon 215 of the LAMC2 protein (p.Val215Ile). The valine residue is moderately conserved and there is a small physicochemical difference between valine and isoleucine. This variant is not present in population databases (ExAC no frequency). This variant has not been reported in the literature in individuals with LAMC2-related disease. Algorithms developed to predict the effect of missense changes on protein structure and function (SIFT, PolyPhen-2, Align-GVGD) all suggest that this variant is likely to be tolerated, but these predictions have not been confirmed by published functional studies and their clinical significance is uncertain. In summary, the available evidence is currently insufficient to determine the role of this variant in disease. Therefore, it has been classified as a Variant of Uncertain Significance.